The following is an entry in ClinVar:

NM_000492.4(CFTR):c.2219C>T (p.Pro740Leu)

Gene: CFTR (CF transmembrane conductance regulator; plus strand). Cytogenetic location: 7q31.2.
Variant type: single nucleotide variant.
Coding change: c.2219C>T on transcript NM_000492.4 (MANE Select); coding-DNA position 2219, C replaced by T.
Protein change: p.Pro740Leu; replaces proline 740 with leucine.
Molecular consequence: missense variant.
Genome position (GRCh38, 1-based): chr7:117,592,386, C>T. VCF-style: chr7-117592386-C-T. GRCh37 (hg19) VCF-style: chr7-117232440-C-T.
Other names: short protein forms P740L.
Identifiers: ClinVar variation 820889 (VCV000820889.9), dbSNP rs150772285, ClinGen allele CA4451155.
Genomic context (GRCh38, chr7:117,592,386, plus strand): 5'-AAATGAATGGCATCGAAGAGGATTCTGATGAGCCTTTAGAGAGAAGGCTGTCCTTAGTAC[C>T]AGATTCTGAGCAGGGAGAGGCGATACTGCCTCGCATCAGCGTGATCAGCACTGGCCCCAC-3'
Protein context (NP_000483.3, residues 730-750): EPLERRLSLV[Pro740Leu]DSEQGEAILP

ClinVar aggregate classification (germline): Uncertain significance. Review status: criteria provided, multiple submitters, no conflicts (2 of 4 stars). 4 submissions from 4 submitters: Uncertain significance (3). 1 of the submissions does not count toward it. Last evaluated 2026-07-16.

Conditions:
Cystic fibrosis (CF). Also called: MUCOVISCIDOSIS. Identifiers: Orphanet 586, MedGen C0010674, MONDO:0009061, OMIM 219700. Disease mechanism: loss of function.
CFTR-related disorder (CFTR-RD). Also called: CFTR-related disorders; CFTR-related condition. Identifiers: MedGen C5924204, MONDO:7770004.

Allele frequency attached by ClinVar (database versions not stated): 1000 Genomes Project 0.00020; 1000 Genomes Project 30x 0.00031; TOPMed below 0.00001; ExAC 0.00001; gnomAD 0.00001; gnomAD exomes 0.00001.
gnomAD v4.1: 7 of 1,614,044 alleles (0.00043%); highest among the groups gnomAD compares: East Asian, 0.0022%; no homozygotes.

Submissions (4):

PreventionGenetics, part of Exact Sciences
Classification: Uncertain significance for CFTR-related condition. Last evaluated: 2026-07-16. Review status: criteria provided, single submitter. Criteria: ACMG Guidelines, 2015. Collection method: clinical testing. Allele origin: germline.
Comment: The CFTR c.2219C>T variant is predicted to result in the amino acid substitution p.Pro740Leu. To our knowledge, this variant has not been reported in the literature. This variant is reported in 0.0099% of alleles in individuals of Ashkenazi Jewish descent in gnomAD. At this time, the clinical significance of this variant is uncertain due to the absence of conclusive functional and genetic evidence.

Ambry Genetics
Classification: Uncertain significance for Cystic fibrosis. Last evaluated: 2025-10-28. Review status: criteria provided, single submitter. Criteria: Ambry Variant Classification Scheme 2023. Collection method: clinical testing. Allele origin: germline.
Comment: The p.P740L variant (also known as c.2219C>T), located in coding exon 14 of the CFTR gene, results from a C to T substitution at nucleotide position 2219. The proline at codon 740 is replaced by leucine, an amino acid with similar properties. This amino acid position is highly conserved in available vertebrate species. In addition, this alteration is predicted to be deleterious by in silico analysis. Based on the available evidence, the clinical significance of this variant remains unclear.

Labcorp Genetics (formerly Invitae), Labcorp
Classification: Uncertain significance for Cystic fibrosis. Last evaluated: 2022-09-01. Review status: criteria provided, single submitter. Criteria: Invitae Variant Classification Sherloc (09022015). Collection method: clinical testing. Allele origin: germline.
Comment: This sequence change replaces proline, which is neutral and non-polar, with leucine, which is neutral and non-polar, at codon 740 of the CFTR protein (p.Pro740Leu). This variant is present in population databases (rs150772285, gnomAD no frequency). This variant has not been reported in the literature in individuals affected with CFTR-related conditions. ClinVar contains an entry for this variant (Variation ID: 820889). Algorithms developed to predict the effect of missense changes on protein structure and function are either unavailable or do not agree on the potential impact of this missense change (SIFT: "Tolerated"; PolyPhen-2: "Possibly Damaging"; Align-GVGD: "Class C0"). In summary, the available evidence is currently insufficient to determine the role of this variant in disease. Therefore, it has been classified as a Variant of Uncertain Significance.

Natera, Inc.
Classification: Uncertain significance for CFTR-related disorders. Last evaluated: 2018-11-15. Review status: no assertion criteria provided. Collection method: clinical testing. Allele origin: germline. Not counted in ClinVar's aggregate classification.